The following is an entry in ClinVar:

ClinVar aggregate classification (germline): Uncertain significance (1 of 4 stars; one submission).

Submission:

Labcorp Genetics (formerly Invitae), Labcorp
Classification: Uncertain significance. Last evaluated: 2022-08-16. Review status: criteria provided, single submitter. Criteria: Invitae Variant Classification Sherloc (09022015). Collection method: clinical testing. Allele origin: germline.
Comment: This sequence change replaces lysine, which is basic and polar, with asparagine, which is neutral and polar, at codon 1904 of the PCLO protein (p.Lys1904Asn). This variant is not present in population databases (gnomAD no frequency). This variant has not been reported in the literature in individuals affected with PCLO-related conditions. ClinVar contains an entry for this variant (Variation ID: 1511451). Algorithms developed to predict the effect of missense changes on protein structure and function are either unavailable or do not agree on the potential impact of this missense change (SIFT: "Tolerated"; PolyPhen-2: "Not Available"; Align-GVGD: "Class C0"). In summary, the available evidence is currently insufficient to determine the role of this variant in disease. Therefore, it has been classified as a Variant of Uncertain Significance.

NM_033026.6(PCLO):c.5712A>T (p.Lys1904Asn)

Gene: PCLO (piccolo presynaptic cytomatrix protein; minus strand). Cytogenetic location: 7q21.11.
Variant type: single nucleotide variant.
Coding change: c.5712A>T on transcript NM_033026.6 (MANE Select); coding-DNA position 5712, A replaced by T.
Protein change: p.Lys1904Asn; replaces lysine 1904 with asparagine.
Molecular consequence: missense variant.
Genome position (GRCh38, 1-based): chr7:82,955,241, T>A on the plus strand (A>T on the coding strand, the complement: PCLO is on the minus strand). VCF-style: chr7-82955241-T-A. GRCh37 (hg19) VCF-style: chr7-82584557-T-A.
Other names: c.5712A>T, p.Lys1904Asn (NM_014510.3); short protein forms K1904N.
Identifiers: ClinVar variation 1511451 (VCV001511451.8), dbSNP rs960532549, ClinGen allele CA367923481.